The following is an entry in ClinVar:

ClinVar aggregate classification (germline): Uncertain significance. Review status: criteria provided, multiple submitters, no conflicts (2 of 4 stars). 2 submissions from 2 submitters: Uncertain significance (2). Last evaluated 2025-04-10.

Allele frequency attached by ClinVar (database versions not stated): gnomAD exomes below 0.00001; TOPMed 0.00001.
gnomAD v4.1: 8 of 1,613,378 alleles (0.0005%); highest among the groups gnomAD compares: African/African-American, 0.0013%; no homozygotes.

Submissions (2):

Ambry Genetics
Classification: Uncertain significance. Last evaluated: 2025-04-10. Review status: criteria provided, single submitter. Criteria: Ambry Variant Classification Scheme 2023. Collection method: clinical testing. Allele origin: germline.

Labcorp Genetics (formerly Invitae), Labcorp
Classification: Uncertain significance. Last evaluated: 2022-06-30. Review status: criteria provided, single submitter. Criteria: Invitae Variant Classification Sherloc (09022015). Collection method: clinical testing. Allele origin: germline.
Comment: This variant has not been reported in the literature in individuals affected with DSCAML1-related conditions. This sequence change replaces proline, which is neutral and non-polar, with arginine, which is basic and polar, at codon 1305 of the DSCAML1 protein (p.Pro1305Arg). This variant is not present in population databases (gnomAD no frequency). Algorithms developed to predict the effect of missense changes on protein structure and function (SIFT, PolyPhen-2, Align-GVGD) all suggest that this variant is likely to be disruptive. In summary, the available evidence is currently insufficient to determine the role of this variant in disease. Therefore, it has been classified as a Variant of Uncertain Significance.

NM_020693.4(DSCAML1):c.3734C>G (p.Pro1245Arg)

Gene: DSCAML1 (DS cell adhesion molecule like 1; minus strand). Cytogenetic location: 11q23.3.
Variant type: single nucleotide variant.
Coding change: c.3734C>G on transcript NM_020693.4 (MANE Select); coding-DNA position 3734, C replaced by G.
Protein change: p.Pro1245Arg; replaces proline 1245 with arginine.
Molecular consequence: missense variant.
Genome position (GRCh38, 1-based): chr11:117,444,014, G>C on the plus strand (C>G on the coding strand, the complement: DSCAML1 is on the minus strand). VCF-style: chr11-117444014-G-C. GRCh37 (hg19) VCF-style: chr11-117314730-G-C.
Other names: c.3914C>G (NM_020693.2); short protein forms P1245R.
Identifiers: ClinVar variation 1954886 (VCV001954886.6), dbSNP rs1325089374, ClinGen allele CA382762065.